The following is an entry in ClinVar:

ClinVar aggregate classification (germline): Pathogenic. Review status: criteria provided, multiple submitters, no conflicts (2 of 4 stars). 5 submissions from 3 submitters: Pathogenic (2). 3 of the submissions do not count toward it. Last evaluated 2018-10-10.

Conditions:
Nephronophthisis. Also called: Juvenile Nephronophthisis. Identifiers: Orphanet 655, MedGen C0687120, MONDO:0019005, HP:0000090.
Nephronophthisis 1 (NPHP1). Also called: Nephronophthisis familial juvenile. Identifiers: Orphanet 655, Orphanet 93592, MedGen C1855681, MONDO:0009728, OMIM 256100.
Senior-Loken syndrome 1 (SLSN1). Also called: JUVENILE NEPHRONOPHTHISIS WITH LEBER AMAUROSIS. Identifiers: Orphanet 3156, MedGen C4551559, MONDO:0009962, OMIM 266900.
Joubert syndrome with renal defect. Also called: JOUBERT SYNDROME 4. Identifiers: Orphanet 220497, MedGen C1846790, MONDO:0012308, OMIM 609583.

Submissions (5):

Victorian Clinical Genetics Services, Murdoch Childrens Research Institute
Classification: Pathogenic for Nephronophthisis 1. Last evaluated: 2018-10-10. Review status: criteria provided, single submitter. Criteria: ACMG Guidelines, 2015. Collection method: clinical testing. Allele origin: unknown. Affected: yes.
Comment: A homozygous deletion encompassing the entire NPHP1 gene has been identified; NM_000272.3(NPHP1):c.(?_-94)_(*462_?)del. The deletion includes at least the entire NPHP1 gene (NP_000263.2), and potentially extends into the adjacent gene, MALL (NP_005425.1). The variant is present in the general population at a frequency of 0.24% (Javorszky, E., et al. (2017)). The variant has been previously described as pathogenic in multiple patients with nephronophthisis. This deletion is the most frequent known cause of nephronophthisis (Chaki, M., et al. (2011), Lindstrand, A., et al. (2014), Hildebrandt, F., et al. (1997), Saunier, S., et al. (2000)). Based on the information available at the time of curation, this variant has been classified as PATHOGENIC.

Labcorp Genetics (formerly Invitae), Labcorp
Classification: Pathogenic for Nephronophthisis. Last evaluated: 2017-01-18. Review status: criteria provided, single submitter. Criteria: Invitae Variant Classification Sherloc (09022015). Collection method: clinical testing. Allele origin: germline.
Comment: A gross deletion of the genomic region encompassing the full coding sequence of the NPHP1 gene has been identified. The boundaries of this event are unknown as the deletion extends beyond the assayed region for this gene and therefore may encompass additional genes. Loss of NPHP1 is known to be pathogenic. Full gene deletions of NPHP1 have been reported in individuals with juvenile nephronophthisis, Bardet-Biedl syndrome, Joubert syndrome, and congenital ocular motor apraxia type Cogan (PMID: 8852662, 10620543, 24746959, 15138899, 10839884). For these reasons, this variant has been classified as Pathogenic.

OMIM
Classification: Pathogenic for NEPHRONOPHTHISIS 1. Last evaluated: 2004-07-01. Review status: no assertion criteria provided. Collection method: literature only. Allele origin: germline. Not counted in ClinVar's aggregate classification.

OMIM
Classification: Pathogenic for SENIOR-LOKEN SYNDROME 1. Last evaluated: 2004-07-01. Review status: no assertion criteria provided. Collection method: literature only. Allele origin: germline. Not counted in ClinVar's aggregate classification.

OMIM
Classification: Pathogenic for JOUBERT SYNDROME 4. Last evaluated: 2004-07-01. Review status: no assertion criteria provided. Collection method: literature only. Allele origin: germline. Not counted in ClinVar's aggregate classification.

Literature cited by the submitters: PubMed 8852662 (cited by OMIM); PubMed 9326933 (cited by OMIM); PubMed 10712196 (cited by OMIM); PubMed 9856524 (cited by OMIM); PubMed 15138899 (cited by OMIM); PubMed 16155189 (cited by OMIM).

NM_000272.5(NPHP1):c.(?_-45)_(*443_?)del

Genes: NPHP1 (nephrocystin 1; minus strand), LOC126806306 (P300/CBP strongly-dependent group 1 enhancer GRCh37_chr2:110906815-110908014; plus strand). Cytogenetic location: 2q13.
Variant type: Deletion.
Coding change: c.(?_-45)_(*443_?)del on transcript NM_000272.5; a large deletion whose breakpoints are not mapped to the base.
Other names: NPHP1, DEL; DEL.
Identifiers: ClinVar variation 237627 (VCV000237627.7).